The following is an entry in ClinVar:

ClinVar aggregate classification (germline): Uncertain significance (1 of 4 stars; one submission).

Conditions:
Lowe syndrome (OCRL). Also called: LOWE OCULOCEREBRORENAL SYNDROME; PHOSPHATIDYLINOSITOL 4,5-BISPHOSPHATE 5-PHOSPHATASE DEFICIENCY; Oculocerebrorenal Syndrome. Identifiers: Orphanet 534, MedGen C0028860, MONDO:0010645, OMIM 309000.

gnomAD v4.1: 18 of 1,206,005 alleles (0.0015%); highest among the groups gnomAD compares: Non-Finnish European, 0.002%; no homozygotes.

Submission:

Labcorp Genetics (formerly Invitae), Labcorp
Classification: Uncertain significance for Lowe syndrome. Last evaluated: 2025-08-31. Review status: criteria provided, single submitter. Criteria: Invitae Variant Classification Sherloc (09022015). Collection method: clinical testing. Allele origin: germline.
Comment: This sequence change replaces aspartic acid, which is acidic and polar, with asparagine, which is neutral and polar, at codon 255 of the OCRL protein (p.Asp255Asn). This variant is not present in population databases (gnomAD no frequency). This variant has not been reported in the literature in individuals affected with OCRL-related conditions. Invitae Evidence Modeling of protein sequence and biophysical properties (such as structural, functional, and spatial information, amino acid conservation, physicochemical variation, residue mobility, and thermodynamic stability) indicates that this missense variant is not expected to disrupt OCRL protein function with a negative predictive value of 80%. In summary, the available evidence is currently insufficient to determine the role of this variant in disease. Therefore, it has been classified as a Variant of Uncertain Significance.

NM_000276.4(OCRL):c.763G>A (p.Asp255Asn)

Gene: OCRL (OCRL inositol polyphosphate-5-phosphatase; plus strand). Cytogenetic location: Xq26.1.
Variant type: single nucleotide variant.
Coding change: c.763G>A on transcript NM_000276.4 (MANE Select); coding-DNA position 763, G replaced by A.
Protein change: p.Asp255Asn; replaces aspartic acid 255 with asparagine.
Molecular consequence: missense variant.
Genome position (GRCh38, 1-based): chrX:129,560,590, G>A. VCF-style: chrX-129560590-G-A. GRCh37 (hg19) VCF-style: chrX-128694567-G-A.
Other names: c.766G>A, p.Asp256Asn (NM_001318784.2); c.763G>A, p.Asp255Asn (NM_001587.4); short protein forms D255N, D256N.
Identifiers: ClinVar variation 4703694 (VCV004703694.1).